The following is an entry in ClinVar:

ClinVar aggregate classification (germline): Uncertain significance (1 of 4 stars; one submission).

Conditions:
Neonatal-onset encephalopathy with rigidity and seizures. Also called: Lethal neonatal spasticity-epileptic encephalopathy syndrome. Identifiers: Orphanet 435845, MedGen C3281029, MONDO:0013784, OMIM 614498.

Submission:

Labcorp Genetics (formerly Invitae), Labcorp
Classification: Uncertain significance for Neonatal-onset encephalopathy with rigidity and seizures. Last evaluated: 2023-07-14. Review status: criteria provided, single submitter. Criteria: Invitae Variant Classification Sherloc (09022015). Collection method: clinical testing. Allele origin: germline.
Comment: ClinVar contains an entry for this variant (Variation ID: 2123467). In summary, the available evidence is currently insufficient to determine the role of this variant in disease. Therefore, it has been classified as a Variant of Uncertain Significance. Variants that disrupt the consensus splice site are a relatively common cause of aberrant splicing (PMID: 17576681, 9536098). Algorithms developed to predict the effect of sequence changes on RNA splicing suggest that this variant is not likely to affect RNA splicing. This variant has not been reported in the literature in individuals affected with BRAT1-related conditions. This variant is not present in population databases (gnomAD no frequency). This sequence change falls in intron 2 of the BRAT1 gene. It does not directly change the encoded amino acid sequence of the BRAT1 protein. It affects a nucleotide within the consensus splice site.

Literature cited by the submitters: PubMed 17576681; PubMed 9536098.

NM_152743.4(BRAT1):c.127+3A>G

Gene: BRAT1 (BRCA1 associated ATM activator 1; minus strand). Cytogenetic location: 7p22.3.
Variant type: single nucleotide variant.
Coding change: c.127+3A>G on transcript NM_152743.4 (MANE Select); 3 bases into the intron after coding-DNA position 127, A replaced by G.
Molecular consequence: intron variant.
Genome position (GRCh38, 1-based): chr7:2,554,302, T>C on the plus strand (A>G on the coding strand, the complement: BRAT1 is on the minus strand). VCF-style: chr7-2554302-T-C. GRCh37 (hg19) VCF-style: chr7-2593936-T-C.
Other names: c.-251+3A>G (NM_001350627.2); c.127+3A>G (NM_001350626.2).
Identifiers: ClinVar variation 2123467 (VCV002123467.4), dbSNP rs2533821276, ClinGen allele CA2580076701.